The following is an entry in ClinVar:

ClinVar aggregate classification (germline): Conflicting classifications of pathogenicity. Review status: criteria provided, conflicting classifications (1 of 4 stars). 3 submissions from 3 submitters: Uncertain significance (2); Likely benign (1). Last evaluated 2024-07-02.

Conditions:
Collagen 6-related myopathy. Identifiers: MedGen CN117976, MONDO:0100225.
Bethlem myopathy 1A. Also called: MYOPATHY, BENIGN CONGENITAL, WITH CONTRACTURES; Bethlem myopathy 1; Bethlem Muscular Dystrophy. Identifiers: Orphanet 610, MedGen CN029274, MONDO:0024530, OMIM 158810.

Allele frequency attached by ClinVar (database versions not stated): TOPMed 0.00002.
gnomAD v4.1: 86 of 1,611,198 alleles (0.0053%); highest among the groups gnomAD compares: South Asian, 0.048%; 1 homozygote.

Submissions (3):

Labcorp Genetics (formerly Invitae), Labcorp
Classification: Uncertain significance for Bethlem myopathy 1A. Last evaluated: 2024-07-02. Review status: criteria provided, single submitter. Criteria: Invitae Variant Classification Sherloc (09022015). Collection method: clinical testing. Allele origin: germline.
Comment: This sequence change replaces threonine, which is neutral and polar, with methionine, which is neutral and non-polar, at codon 207 of the COL6A2 protein (p.Thr207Met). This variant is present in population databases (rs760395633, gnomAD 0.03%). This variant has not been reported in the literature in individuals affected with COL6A2-related conditions. ClinVar contains an entry for this variant (Variation ID: 894865). Advanced modeling of protein sequence and biophysical properties (such as structural, functional, and spatial information, amino acid conservation, physicochemical variation, residue mobility, and thermodynamic stability) performed at Invitae indicates that this missense variant is not expected to disrupt COL6A2 protein function with a negative predictive value of 80%. In summary, the available evidence is currently insufficient to determine the role of this variant in disease. Therefore, it has been classified as a Variant of Uncertain Significance.

GeneDx
Classification: Uncertain significance. Last evaluated: 2021-04-02. Review status: criteria provided, single submitter. Criteria: GeneDx Variant Classification Process June 2021. Collection method: clinical testing. Allele origin: germline. Affected: yes.
Comment: In silico analysis, which includes protein predictors and evolutionary conservation, supports a deleterious effect; Has not been previously published as pathogenic or benign to our knowledge

Illumina Laboratory Services, Illumina
Classification: Likely benign for Collagen VI-related myopathy. Last evaluated: 2018-01-13. Review status: criteria provided, single submitter. Criteria: ICSL Variant Classification Criteria 13 December 2019. Collection method: clinical testing. Allele origin: germline.
Comment: This variant was observed in the ICSL laboratory as part of a predisposition screen in an ostensibly healthy population. It had not been previously curated by ICSL or reported in the Human Gene Mutation Database (HGMD: prior to June 1st, 2018), and was therefore a candidate for classification through an automated scoring system. Utilizing variant allele frequency, disease prevalence and penetrance estimates, and inheritance mode, an automated score was calculated to assess if this variant is too frequent to cause the disease. Based on the score and internal cut-off values, a variant classified as likely benign is not then subjected to further curation. The score for this variant resulted in a classification of likely benign for this disease.

NM_001849.4(COL6A2):c.620C>T (p.Thr207Met)

Gene: COL6A2 (collagen type VI alpha 2 chain; plus strand). Cytogenetic location: 21q22.3.
Variant type: single nucleotide variant.
Coding change: c.620C>T on transcript NM_001849.4 (MANE Select); coding-DNA position 620, C replaced by T.
Protein change: p.Thr207Met; replaces threonine 207 with methionine.
Molecular consequence: missense variant.
Genome position (GRCh38, 1-based): chr21:46,112,483, C>T. VCF-style: chr21-46112483-C-T. GRCh37 (hg19) VCF-style: chr21-47532397-C-T.
Other names: c.620C>T, p.Thr207Met (NM_058174.3, NM_058175.3); short protein forms T207M.
Identifiers: ClinVar variation 894865 (VCV000894865.15), dbSNP rs760395633, ClinGen allele CA10071350.